The following is an entry in ClinVar:

ClinVar aggregate classification (germline): Pathogenic (1 of 4 stars; one submission).

Conditions:
Peutz-Jeghers syndrome (PJS). Also called: POLYPOSIS, HAMARTOMATOUS INTESTINAL; POLYPS-AND-SPOTS SYNDROME; Peutz-Jeghers polyposis; Periorificial lentiginosis syndrome. Identifiers: Orphanet 2869, MedGen C0031269, MeSH D010580, MONDO:0008280, OMIM 175200.

Submission:

Labcorp Genetics (formerly Invitae), Labcorp
Classification: Pathogenic for Peutz-Jeghers syndrome. Last evaluated: 2021-12-27. Review status: criteria provided, single submitter. Criteria: Invitae Variant Classification Sherloc (09022015). Collection method: clinical testing. Allele origin: unknown.
Comment: This variant is a gross deletion of the genomic region encompassing exon(s) 5-8 of the STK11 gene. This deletion is out-of-frame, and is expected to create a premature termination codon and result in an absent or disrupted protein product. Loss-of-function variants in STK11 are known to be pathogenic (PMID: 15188174, 16287113). For these reasons, this variant has been classified as Pathogenic. A similar copy number variant has been observed in individual(s) with clinical features of Peutz‚ÄìJeghers syndrome (PMID: 22382802).

Literature cited by the submitters: PubMed 15188174; PubMed 16287113; PubMed 22382802.

NC_000019.9:g.(?_1220509)_(1223326_?)del

Gene: STK11 (serine/threonine kinase 11; plus strand). Cytogenetic location: 19p13.3.
Variant type: Deletion.
Identifiers: ClinVar variation 3248410 (VCV003248410.1).